The following is an entry in ClinVar:

ClinVar aggregate classification (germline): Uncertain significance (1 of 4 stars; one submission).

Submission:

Labcorp Genetics (formerly Invitae), Labcorp
Classification: Uncertain significance. Last evaluated: 2024-08-29. Review status: criteria provided, single submitter. Criteria: Invitae Variant Classification Sherloc (09022015). Collection method: clinical testing. Allele origin: germline.
Comment: This sequence change replaces serine, which is neutral and polar, with leucine, which is neutral and non-polar, at codon 1571 of the MYH3 protein (p.Ser1571Leu). This variant is not present in population databases (gnomAD no frequency). This variant has not been reported in the literature in individuals affected with MYH3-related conditions. Invitae Evidence Modeling of protein sequence and biophysical properties (such as structural, functional, and spatial information, amino acid conservation, physicochemical variation, residue mobility, and thermodynamic stability) indicates that this missense variant is not expected to disrupt MYH3 protein function with a negative predictive value of 95%. In summary, the available evidence is currently insufficient to determine the role of this variant in disease. Therefore, it has been classified as a Variant of Uncertain Significance.

NM_002470.4(MYH3):c.4712C>T (p.Ser1571Leu)

Gene: MYH3 (myosin heavy chain 3; minus strand). Cytogenetic location: 17p13.1.
Variant type: single nucleotide variant.
Coding change: c.4712C>T on transcript NM_002470.4 (MANE Select); coding-DNA position 4712, C replaced by T.
Protein change: p.Ser1571Leu; replaces serine 1571 with leucine.
Molecular consequence: missense variant.
Genome position (GRCh38, 1-based): chr17:10,632,720, G>A on the plus strand (C>T on the coding strand, the complement: MYH3 is on the minus strand). VCF-style: chr17-10632720-G-A. GRCh37 (hg19) VCF-style: chr17-10536037-G-A.
Other names: short protein forms S1571L.
Identifiers: ClinVar variation 3634444 (VCV003634444.2).
Genomic context (GRCh38, chr17:10,632,720, plus strand): 5'-TAGTTCCTCTTCAGCTGCTCGATCTCTTCATCCTTCTCGGCGATCTTTCTATCAATTTCT[G>A]ATTTCACTTGTGTCAATTCAAGCTGGATTCGGAGGATCTTGGCTTCTTCATGCTCAAGAG-3'
Protein context (NP_002461.2, residues 1561-1581): RIQLELTQVK[Ser1571Leu]EIDRKIAEKD